The following is an entry in ClinVar:

NM_024675.4(PALB2):c.2534C>T (p.Pro845Leu)

Gene: PALB2 (partner and localizer of BRCA2; minus strand). Cytogenetic location: 16p12.2.
Variant type: single nucleotide variant.
Coding change: c.2534C>T on transcript NM_024675.4 (MANE Select); coding-DNA position 2534, C replaced by T.
Protein change: p.Pro845Leu; replaces proline 845 with leucine.
Molecular consequence: missense variant.
Genome position (GRCh38, 1-based): chr16:23,629,256, G>A on the plus strand (C>T on the coding strand, the complement: PALB2 is on the minus strand). VCF-style: chr16-23629256-G-A. GRCh37 (hg19) VCF-style: chr16-23640577-G-A.
Other names: short protein forms P845L.
Identifiers: ClinVar variation 648923 (VCV000648923.12), dbSNP rs1597088217, ClinGen allele CA395123827.

ClinVar aggregate classification (germline): Uncertain significance. Review status: criteria provided, multiple submitters, no conflicts (2 of 4 stars). 2 submissions from 2 submitters: Uncertain significance (2). Last evaluated 2022-09-19.

Conditions:
Hereditary cancer-predisposing syndrome. Also called: Neoplastic Syndromes, Hereditary; Tumor predisposition; Hereditary Cancer Syndrome; Hereditary neoplastic syndrome. Identifiers: Orphanet 140162, MedGen C0027672, MeSH D009386, MONDO:0015356.
Familial cancer of breast. Also called: hereditary breast carcinoma; Hereditary breast cancer; BREAST CANCER, FAMILIAL. Identifiers: Orphanet 227535, MedGen C0346153, MONDO:0016419, OMIM 114480. Disease mechanism: loss of function.

Submissions (2):

Labcorp Genetics (formerly Invitae), Labcorp
Classification: Uncertain significance for Familial cancer of breast. Last evaluated: 2022-09-19. Review status: criteria provided, single submitter. Criteria: Invitae Variant Classification Sherloc (09022015). Collection method: clinical testing. Allele origin: germline.
Comment: In summary, the available evidence is currently insufficient to determine the role of this variant in disease. Therefore, it has been classified as a Variant of Uncertain Significance. This sequence change replaces proline, which is neutral and non-polar, with leucine, which is neutral and non-polar, at codon 845 of the PALB2 protein (p.Pro845Leu). This variant is not present in population databases (gnomAD no frequency). This variant has not been reported in the literature in individuals affected with PALB2-related conditions. ClinVar contains an entry for this variant (Variation ID: 648923). Advanced modeling of protein sequence and biophysical properties (such as structural, functional, and spatial information, amino acid conservation, physicochemical variation, residue mobility, and thermodynamic stability) performed at Invitae indicates that this missense variant is expected to disrupt PALB2 protein function.

Ambry Genetics
Classification: Uncertain significance for Hereditary cancer-predisposing syndrome. Last evaluated: 2021-09-20. Review status: criteria provided, single submitter. Criteria: Ambry Variant Classification Scheme 2023. Collection method: clinical testing. Allele origin: germline.
Comment: The p.P845L variant (also known as c.2534C>T), located in coding exon 6 of the PALB2 gene, results from a C to T substitution at nucleotide position 2534. The proline at codon 845 is replaced by leucine, an amino acid with similar properties. This amino acid position is conserved. In addition, this alteration is predicted to be tolerated by in silico analysis. Since supporting evidence is limited at this time, the clinical significance of this alteration remains unclear.